The following is an entry in ClinVar:

NM_080425.4(GNAS):c.1455C>A (p.Ala485=)

Gene: GNAS (GNAS complex locus; plus strand). Cytogenetic location: 20q13.32.
Variant type: single nucleotide variant.
Coding change: c.1455C>A on transcript NM_080425.4 (MANE Plus Clinical); coding-DNA position 1455, C replaced by A.
Protein change: p.Ala485=; no amino-acid change (alanine 485 retained).
Molecular consequence: synonymous variant. On other transcripts: missense variant (2), intron variant (3).
Genome position (GRCh38, 1-based): chr20:58,854,720, C>A. VCF-style: chr20-58854720-C-A. GRCh37 (hg19) VCF-style: chr20-57429775-C-A.
Other names: c.1268C>A, p.Pro423His (NM_001077490.3, NM_001309883.1); c.1455C>A, p.Ala485= (NM_001410913.1); c.*42+13834C>A (NM_016592.5); c.43+13834C>A (NM_001410912.1); c.-39+12845C>A (NM_001309861.2); short protein forms P423H.
Identifiers: ClinVar variation 417936 (VCV000417936.36), dbSNP rs55890501, ClinGen allele CA9926692.

ClinVar aggregate classification (germline): Benign/Likely benign. Review status: criteria provided, multiple submitters, no conflicts (2 of 4 stars). 8 submissions from 8 submitters: Benign (3); Likely benign (1). 4 of the submissions do not count toward it. Last evaluated 2026-08-01.

Conditions:
Pseudohypoparathyroidism type 1C (PHP1C). Also called: PHP IC; PSEUDOHYPOPARATHYROIDISM, TYPE IC; Pseudohypoparathyroidism Ic (PHP-Ic). Identifiers: Orphanet 79444, MedGen C2932716, MONDO:0012911, OMIM 612462.
Progressive osseous heteroplasia (POH). Also called: Osseus Heteroplasia, Progressive; Progressive Osseus Heteroplasia (POH); ECTOPIC OSSIFICATION, FAMILIAL; Osteoma cutis. Identifiers: Orphanet 2762, MedGen C0334041, MONDO:0008153, OMIM 166350, HP:0025027.
Pituitary adenoma 3, multiple types. Also called: PITUITARY ADENOMA 3, ACTH-SECRETING, SOMATIC; PITUITARY ADENOMA 3, GROWTH HORMONE-SECRETING, SOMATIC. Identifiers: MedGen C4540135, MONDO:0054665, OMIM 617686.
Pseudohypoparathyroidism type 1B (PHP1B). Also called: PHP IB; Pseudohypoparathyroidism Type IB; Pseudohypoparathyroidism Ib (PHP-Ib). Identifiers: Orphanet 94089, MedGen C1864100, MONDO:0011301, OMIM 603233.
Pseudopseudohypoparathyroidism (PPHP). Also called: ALBRIGHT HEREDITARY OSTEODYSTROPHY WITHOUT MULTIPLE HORMONE RESISTANCE; Pseudopseudohypoparathyroidism (PPHP). Identifiers: Orphanet 79445, MedGen C0033835, MONDO:0012912, OMIM 612463.
McCune-Albright syndrome (MAS). Also called: McCune-Albright syndrome, somatic, mosaic; Fibrous Dysplasia / McCune-Albright Syndrome; ALBRIGHT SYNDROME; Albright's Syndrome; Albright's disease. Identifiers: Orphanet 562, MedGen C0242292, MONDO:0018919, OMIM 174800.
ACTH-independent macronodular adrenal hyperplasia 1 (AIMAH1). Also called: ACTH-independent macronodular adrenal hyperplasia, somatic; CORTICOTROPIN-INDEPENDENT MACRONODULAR ADRENAL HYPERPLASIA; CUSHING SYNDROME, ADRENAL, DUE TO AIMAH; ADRENOCORTICOTROPIC HORMONE-INDEPENDENT MACRONODULAR ADRENAL HYPERPLASIA; ACTH-INDEPENDENT MACRONODULAR ADRENOCORTICAL HYPERPLASIA. Identifiers: MedGen C1857451, MONDO:0020735, OMIM 219080.
Pseudohypoparathyroidism type I A (PHP1A). Also called: PHP IA; Pseudohypoparathyroidism type 1A; Pseudohypoparathyroidism Type IA; Pseudohypoparathyroidism Ia (PHP-Ia); ALBRIGHT HEREDITARY OSTEODYSTROPHY WITH MULTIPLE HORMONE RESISTANCE. Identifiers: Orphanet 79443, MedGen C3494506, MONDO:0007078, OMIM 103580.
Cushing syndrome. Also called: Cushing's syndrome; Nodular primary adrenocortical dysplasia; Adrenal hyperfunction resulting from pituitary acth excess; Ectopic adrenocorticotropic hormone syndrome; Hyperadrenocorticism. Identifiers: Orphanet 189427, MedGen C0010481, MONDO:0018912.
Pseudohypoparathyroidism (PHP1A). Identifiers: Orphanet 79443, Orphanet 97593, MedGen C0033806, MONDO:0019992, HP:0000852.
Somatotroph adenoma (PITA1). Also called: ISOLATED FAMILIAL SOMATOTROPINOMA; SOMATOTROPHINOMA, FAMILIAL; ACROMEGALY DUE TO PITUITARY ADENOMA 1; Pituitary adenoma, growth hormone-secreting; Pituitary tumor, growth hormone-secreting, somatic; PITUITARY ADENOMA 1, MULTIPLE TYPES. Identifiers: Orphanet 314777, Orphanet 963, MedGen C4538355, MONDO:0007052, OMIM 102200.

Allele frequency attached by ClinVar (database versions not stated): gnomAD exomes 0.00258 and 0.00402; ExAC 0.00127; gnomAD 0.00368 and 0.00388; 1000 Genomes Project 0.00120; 1000 Genomes Project 30x 0.00125; TOPMed 0.00308.
gnomAD v4.1: 6,062 of 1,534,344 alleles (0.4%); highest among the groups gnomAD compares: Non-Finnish European, 0.45%; 14 homozygotes.

Submissions (8):

CeGaT Center for Human Genetics Tuebingen
Classification: Likely benign. Last evaluated: 2026-08-01. Review status: criteria provided, single submitter. Criteria: CeGaT Center For Human Genetics Tuebingen Variant Classification Criteria Version 2. Collection method: clinical testing. Allele origin: germline. Affected: yes. Observed: 20 variant alleles.
Comment: GNAS: BP4, BS1

Blueprint Genetics
Classification: Benign. Last evaluated: 2024-11-26. Review status: criteria provided, single submitter. Criteria: ACMG Guidelines, 2015. Collection method: clinical testing. Allele origin: germline.

Fulgent Genetics
Classification: Benign for Pseudohypoparathyroidism type I A; Progressive osseous heteroplasia; McCune-Albright syndrome; ACTH-independent macronodular adrenal hyperplasia 1; Pseudohypoparathyroidism type 1B; Pseudohypoparathyroidism type 1C; Pseudopseudohypoparathyroidism; Pituitary adenoma 3, multiple types. Last evaluated: 2022-02-28. Review status: criteria provided, single submitter. Criteria: ACMG Guidelines, 2015. Collection method: clinical testing. Allele origin: unknown.

Labcorp Genetics (formerly Invitae), Labcorp
Classification: Benign. Last evaluated: 2019-12-31. Review status: criteria provided, single submitter. Criteria: Invitae Variant Classification Sherloc (09022015). Collection method: clinical testing. Allele origin: germline.

Division of Human Genetics, Children's Hospital of Philadelphia
Classification: Uncertain significance for Progressive osseous heteroplasia; Pseudohypoparathyroidism type I A; Pseudopseudohypoparathyroidism; Pseudohypoparathyroidism type 1C; McCune-Albright syndrome; Pseudohypoparathyroidism type 1B; ACTH-independent macronodular adrenal hyperplasia 1; Somatotroph adenoma. Last evaluated: 2016-02-09. Review status: no assertion criteria provided. Collection method: research. Allele origin: maternal. Affected: yes. Study: CSER-PediSeq. Not counted in ClinVar's aggregate classification.

Clinical Genetics, Academic Medical Center
Classification: Likely benign. Review status: no assertion criteria provided. Collection method: clinical testing. Allele origin: germline. Affected: yes. Study: VKGL Data-share Consensus. Not counted in ClinVar's aggregate classification.

Diagnostic Laboratory, Department of Genetics, University Medical Center Groningen
Classification: Benign. Review status: no assertion criteria provided. Collection method: clinical testing. Allele origin: germline. Affected: yes. Study: VKGL Data-share Consensus. Not counted in ClinVar's aggregate classification.

Laboratory of Diagnostic Genome Analysis, Leiden University Medical Center (LUMC)
Classification: Likely benign. Review status: no assertion criteria provided. Collection method: clinical testing. Allele origin: germline. Affected: yes. Study: VKGL Data-share Consensus. Not counted in ClinVar's aggregate classification.